The following is an entry in ClinVar:

ClinVar aggregate classification (germline): Uncertain significance (1 of 4 stars; one submission).

Allele frequency attached by ClinVar (database versions not stated): ExAC 0.00001; gnomAD 0.00001; gnomAD exomes 0.00001; 1000 Genomes Project 30x 0.00016; 1000 Genomes Project 0.00020.
gnomAD v4.1: 12 of 1,614,078 alleles (0.00074%); highest among the groups gnomAD compares: East Asian, 0.0067%; no homozygotes.

Submission:

Labcorp Genetics (formerly Invitae), Labcorp
Classification: Uncertain significance. Last evaluated: 2022-08-22. Review status: criteria provided, single submitter. Criteria: Invitae Variant Classification Sherloc (09022015). Collection method: clinical testing. Allele origin: germline.
Comment: In summary, the available evidence is currently insufficient to determine the role of this variant in disease. Therefore, it has been classified as a Variant of Uncertain Significance. Algorithms developed to predict the effect of sequence changes on RNA splicing suggest that this variant is not likely to affect RNA splicing. This variant has not been reported in the literature in individuals affected with CABP4-related conditions. This variant is present in population databases (rs201724401, gnomAD 0.003%). This sequence change affects codon 266 of the CABP4 mRNA. It is a 'silent' change, meaning that it does not change the encoded amino acid sequence of the CABP4 protein. It affects a nucleotide within the consensus splice site.

NM_145200.5(CABP4):c.798C>T (p.Asp266=)

Gene: CABP4 (calcium binding protein 4; plus strand). Cytogenetic location: 11q13.2.
Variant type: single nucleotide variant.
Coding change: c.798C>T on transcript NM_145200.5 (MANE Select); coding-DNA position 798, C replaced by T.
Protein change: p.Asp266=; no amino-acid change (aspartic acid 266 retained).
Molecular consequence: synonymous variant. On other transcripts: non-coding transcript variant (1).
Genome position (GRCh38, 1-based): chr11:67,458,517, C>T. VCF-style: chr11-67458517-C-T. GRCh37 (hg19) VCF-style: chr11-67225988-C-T.
Other names: c.483C>T, p.Asp161= (NM_001300895.3, NM_001300896.3, NM_001379183.1).
Identifiers: ClinVar variation 2199128 (VCV002199128.4), dbSNP rs201724401, ClinGen allele CA6140347.
Genomic context (GRCh38, chr11:67,458,517, plus strand): 5'-TGAGCTGGACGAGATGCTCCGAGAAGTGGACCTCAATGGGGATGGCACCGTAGACTTTGA[C>T]GGTGAGTCTCCTTCCCGGAAAACCCTCCCGTGCTTCCAGGGCCTAGGCTGAGCCCAGCAC-3'
Protein context (NP_660201.1, residues 256-275): DLNGDGTVDF[Asp266=]EFVMMLSRH